The following is an entry in ClinVar:

ClinVar aggregate classification (germline): Conflicting classifications of pathogenicity. Review status: criteria provided, conflicting classifications (1 of 4 stars). 12 submissions from 12 submitters: Uncertain significance (7); Likely benign (3). 2 of the submissions do not count toward it. Last evaluated 2026-01-25.

Conditions:
Acute febrile neutrophilic dermatosis (AFND). Also called: Gomm Button disease; Sweet Syndrome. Identifiers: Orphanet 3243, MedGen C0085077, MONDO:0011959, OMIM 608068.
Familial Mediterranean fever (FMF). Also called: POLYSEROSITIS, FAMILIAL PAROXYSMAL; POLYSEROSITIS, RECURRENT; Periodic peritonitis; Benign paroxysmal peritonitis. Identifiers: Orphanet 342, MedGen C0031069, MONDO:0018088, OMIM 249100. Disease mechanism: gain of function.
Familial Mediterranean fever, autosomal dominant. Also called: Dominant Familial Mediterranean Fever; FMF, AUTOSOMAL DOMINANT. Identifiers: Orphanet 342, MedGen C1851347, MONDO:0007601, OMIM 134610.
MEFV-related disorder. Also called: MEFV-related disorders; MEFV-related condition.
Autoinflammatory syndrome. Identifiers: Orphanet 93665, MedGen C3890737, MONDO:0019751.

Allele frequency attached by ClinVar (database versions not stated): TOPMed 0.00028; gnomAD 0.00033 and 0.00034; ESP Exome Variant Server 0.00046.

Submissions (12):

Labcorp Genetics (formerly Invitae), Labcorp
Classification: Likely benign for Familial Mediterranean fever. Last evaluated: 2026-01-25. Review status: criteria provided, single submitter. Criteria: Invitae Variant Classification Sherloc (09022015). Collection method: clinical testing. Allele origin: germline.

Blueprint Genetics
Classification: Likely benign. Last evaluated: 2024-10-22. Review status: criteria provided, single submitter. Criteria: ACMG Guidelines, 2015. Collection method: clinical testing. Allele origin: germline.

Mayo Clinic Laboratories, Mayo Clinic
Classification: Uncertain significance. Last evaluated: 2024-09-13. Review status: criteria provided, single submitter. Criteria: ACMG Guidelines, 2015. Collection method: clinical testing. Allele origin: germline. Observed: 1 variant allele.

Fulgent Genetics
Classification: Uncertain significance for Familial Mediterranean fever, autosomal dominant; Familial Mediterranean fever; Acute febrile neutrophilic dermatosis. Last evaluated: 2024-03-25. Review status: criteria provided, single submitter. Criteria: ACMG Guidelines, 2015. Collection method: clinical testing. Allele origin: germline.

Women's Health and Genetics/Laboratory Corporation of America, LabCorp
Classification: Uncertain significance. Last evaluated: 2024-01-31. Review status: criteria provided, single submitter. Criteria: LabCorp Variant Classification Summary - May 2015. Collection method: clinical testing. Allele origin: germline.
Comment: Variant summary: MEFV c.2292G>T alters a conserved nucleotide resulting in a synonymous change. Several computational tools predict a significant impact on normal splicing: Four predict the variant creates a 5' donor site. However, these predictions have yet to be confirmed by functional studies. The variant allele was found at a frequency of 0.00021 in 251442 control chromosomes. This frequency is not significantly higher than estimated for a pathogenic variant in MEFV causing Familial Mediterranean Fever (0.00021 vs 0.022), allowing no conclusion about variant significance. c.2292G>T has been reported in the literature in heterozygous individuals affected with Familial Mediterranean Fever (e.g. Jeske_2013, Hageman_2019). These report(s) do not provide unequivocal conclusions about association of the variant with Familial Mediterranean Fever. To our knowledge, no experimental evidence demonstrating an impact on protein function has been reported. The following publications have been ascertained in the context of this evaluation (PMID: 31264586, 24158885, 24117178). ClinVar contains an entry for this variant (Variation ID: 378133). Based on the evidence outlined above, the variant was classified as uncertain significance.

GeneDx
Classification: Uncertain significance. Last evaluated: 2021-10-25. Review status: criteria provided, single submitter. Criteria: GeneDx Variant Classification Process June 2021. Collection method: clinical testing. Allele origin: germline. Affected: yes.
Comment: In-silico analysis, which includes splice predictors and evolutionary conservation, is inconclusive as to whether the variant alters gene splicing. In the absence of RNA/functional studies, the actual effect of this sequence change is unknown.; This variant is associated with the following publications: (PMID: 24158885)

CeGaT Center for Human Genetics Tuebingen
Classification: Likely benign. Last evaluated: 2020-08-01. Review status: criteria provided, single submitter. Criteria: CeGaT Center For Human Genetics Tuebingen Variant Classification Criteria Version 2. Collection method: clinical testing. Allele origin: germline. Affected: yes. Observed: 1 variant allele.

ARUP Laboratories, Molecular Genetics and Genomics, ARUP Laboratories
Classification: Uncertain significance. Last evaluated: 2019-06-05. Review status: criteria provided, single submitter. Criteria: ARUP Molecular Germline Variant Investigation Process. Collection method: clinical testing. Allele origin: germline.
Comment: The MEFV c.2292G>T; p.Gly764Gly variant (rs142352887) is reported in the medical literature in an individual with a clinical diagnosis of FMF (Jeske 2013). However, the variant has also been described as likely benign by a group of experts (Van Gijn 2018). The variant is described in the ClinVar database (Variation ID: 378133) and in the general population with an allele frequency of 0.02% (63/282832 alleles) in the Genome Aggregation Database. This is a synonymous variant in a weakly conserved nucleotide but computational analyses (Alamut v.2.11) predict that this variant may impact splicing by creating a novel cryptic donor splice site, removing a portion of the pyrin domain. Due to conflicting information, the clinical significance of the variant is uncertain at this time. References: Jeske M et al. Genotype-phenotype and genotype-origin correlations in children with mediterranean fever in Germany - an AID-net study. Klin Padiatr. 2013 Nov;225(6):325-30. Van Gijn ME et al. New workflow for classification of genetic variants' pathogenicity applied to hereditary recurrent fevers by the International Study Group for Systemic Autoinflammatory Diseases (INSAID). J Med Genet. 2018 Aug;55(8):530-537.

Mendelics
Classification: Uncertain significance for Familial Mediterranean fever. Last evaluated: 2019-05-28. Review status: criteria provided, single submitter. Criteria: Mendelics Assertion Criteria 2017. Collection method: clinical testing. Allele origin: unknown.

Genome Diagnostics Laboratory, The Hospital for Sick Children
Classification: Uncertain significance for Autoinflammatory syndrome. Last evaluated: 2016-12-12. Review status: criteria provided, single submitter. Criteria: ACMG Guidelines, 2015. Collection method: clinical testing. Allele origin: germline. Affected: yes.

PreventionGenetics, part of Exact Sciences
Classification: Uncertain significance for MEFV-related condition. Last evaluated: 2024-04-17. Review status: no assertion criteria provided. Collection method: clinical testing. Allele origin: germline. Not counted in ClinVar's aggregate classification.
Comment: The MEFV c.2292G>T variant is not predicted to result in an amino acid change (p.=). This variant is predicted to alter splicing by creating a new cryptic splice site based on available splicing prediction programs (SpliceAI, Jaganathan et al. 2019. PubMed ID: 30661751; Alamut Visual Plus v1.6.1). This variant has been reported in one individual from a study of children with Mediterranean fever in Germany (AID-Net Study, Supplemental Material, Reported as p.Gly764Gly, Jeske et al. 2013. PubMed ID: 24158885). This variant is reported in 0.035% of alleles in individuals of European (Non-Finnish) descent in gnomAD, which may be too common to be causative. This variant has conflicting interpretations regarding its pathogenicity in ClinVar, ranging from uncertain significance to likely benign (24158885). While this variant may be benign, at this time, the clinical significance of this variant is uncertain due to the absence of conclusive functional and genetic evidence.

Natera, Inc.
Classification: Likely benign for Familial Mediterranean fever. Last evaluated: 2020-01-09. Review status: no assertion criteria provided. Collection method: clinical testing. Allele origin: germline. Not counted in ClinVar's aggregate classification.

Literature cited by the submitters: PubMed 24117178 (cited by Mayo Clinic Laboratories, Mayo Clinic and Women's Health and Genetics/Laboratory Corporation of America, LabCorp); PubMed 24158885 (cited by Mayo Clinic Laboratories, Mayo Clinic and Women's Health and Genetics/Laboratory Corporation of America, LabCorp); PubMed 31264586 (cited by Mayo Clinic Laboratories, Mayo Clinic and Women's Health and Genetics/Laboratory Corporation of America, LabCorp).

NM_000243.3(MEFV):c.2292G>T (p.Gly764=)

Gene: MEFV (MEFV innate immunity regulator, pyrin; minus strand). Cytogenetic location: 16p13.3.
Variant type: single nucleotide variant.
Coding change: c.2292G>T on transcript NM_000243.3 (MANE Select); coding-DNA position 2292, G replaced by T.
Protein change: p.Gly764=; no amino-acid change (glycine 764 retained).
Molecular consequence: synonymous variant. On other transcripts: 3 prime UTR variant (1).
Genome position (GRCh38, 1-based): chr16:3,243,195, C>A on the plus strand (G>T on the coding strand, the complement: MEFV is on the minus strand). VCF-style: chr16-3243195-C-A. GRCh37 (hg19) VCF-style: chr16-3293195-C-A.
Other names: p.Gly764=; c.*496G>T (NM_001198536.2).
Identifiers: ClinVar variation 378133 (VCV000378133.66), dbSNP rs142352887, ClinGen allele CA7859840.